The following is an entry in ClinVar:

NM_000138.5(FBN1):c.2054G>A (p.Cys685Tyr)

Gene: FBN1 (fibrillin 1; minus strand). Cytogenetic location: 15q21.1.
Variant type: single nucleotide variant.
Coding change: c.2054G>A on transcript NM_000138.5 (MANE Select); coding-DNA position 2054, G replaced by A.
Protein change: p.Cys685Tyr; replaces cysteine 685 with tyrosine.
Molecular consequence: missense variant.
Genome position (GRCh38, 1-based): chr15:48,503,846, C>T on the plus strand (G>A on the coding strand, the complement: FBN1 is on the minus strand). VCF-style: chr15-48503846-C-T. GRCh37 (hg19) VCF-style: chr15-48796043-C-T.
Other names: short protein forms C685Y.
Identifiers: ClinVar variation 549062 (VCV000549062.26), dbSNP rs1555399761, ClinGen allele CA392338288.

ClinVar aggregate classification (germline): Pathogenic/Likely pathogenic. Review status: criteria provided, multiple submitters, no conflicts (2 of 4 stars). 3 submissions from 3 submitters: Pathogenic (1); Likely pathogenic (1). 1 of the submissions does not count toward it. Last evaluated 2021-03-01.

Conditions:
Familial thoracic aortic aneurysm and aortic dissection (TAAD). Also called: Thoracic aortic aneurysms and dissections. Identifiers: Orphanet 91387, MedGen C4707243, MONDO:0019625.
Marfan syndrome (MFS). Also called: Marfan syndrome type 1; Marfan syndrome, classic; Marfan's syndrome; FBN1-Related Marfan Syndrome; MARFAN SYNDROME, TYPE I. Identifiers: Orphanet 284963, Orphanet 558, MedGen C0024796, MONDO:0007947, OMIM 154700.

Submissions (3):

Centre of Medical Genetics, University of Antwerp
Classification: Likely pathogenic for Marfan syndrome. Last evaluated: 2021-03-01. Review status: criteria provided, single submitter. Criteria: Submitter's publication. Collection method: research. Allele origin: unknown. Affected: yes.
Comment: PM2, PS5, PP4

Labcorp Genetics (formerly Invitae), Labcorp
Classification: Pathogenic for Marfan syndrome; Familial thoracic aortic aneurysm and aortic dissection. Last evaluated: 2020-02-02. Review status: criteria provided, single submitter. Criteria: Invitae Variant Classification Sherloc (09022015). Collection method: clinical testing. Allele origin: germline.
Comment: This sequence change replaces cysteine with tyrosine at codon 685 of the FBN1 protein (p.Cys685Tyr). The cysteine residue is highly conserved and there is a large physicochemical difference between cysteine and tyrosine. This variant affects a cysteine residue in the EGF-like, TGFBP or hybrid motif domains of FBN1. Cysteine residues are believed to be involved in intramolecular disulfide bridges and have been shown to be important for FBN1 protein structure (PMID: 16905551, 19349279). In addition, missense substitutions affecting cysteine residues within these domains are significantly overrepresented among patients with Marfan syndrome (PMID: 16571647, 17701892). For these reasons, this variant has been classified as Pathogenic. This variant disrupts the p.Cys685 amino acid residue in FBN1. Other variant(s) that disrupt this residue have been observed in individuals with FBN1-related conditions (PMID: 21542060, Invitae), which suggests that this may be a clinically significant amino acid residue. Algorithms developed to predict the effect of missense changes on protein structure and function are either unavailable or do not agree on the potential impact of this missense change (SIFT: "Tolerated"; PolyPhen-2: "Probably Damaging"; Align-GVGD: "Class C0"). This variant has been reported in individual(s) with Marfan syndrome (PMID: 21542060). ClinVar contains an entry for this variant (Variation ID: 549062). This variant is not present in population databases (ExAC no frequency).

Center for Medical Genetics Ghent, University of Ghent
Classification: Likely pathogenic for Marfan syndrome. Last evaluated: 2017-11-07. Review status: no assertion criteria provided. Collection method: clinical testing. Allele origin: germline. Affected: yes. Not counted in ClinVar's aggregate classification.

Literature cited by the submitters: PubMed 16905551 (cited by Labcorp Genetics (formerly Invitae), Labcorp); PubMed 19349279 (cited by Labcorp Genetics (formerly Invitae), Labcorp); PubMed 16571647 (cited by Labcorp Genetics (formerly Invitae), Labcorp); PubMed 17701892 (cited by Labcorp Genetics (formerly Invitae), Labcorp); PubMed 21542060 (cited by Labcorp Genetics (formerly Invitae), Labcorp).